The following is an entry in ClinVar:

NM_199355.4(ADAMTS18):c.3451G>A (p.Val1151Ile)

Genes: ADAMTS18 (ADAM metallopeptidase with thrombospondin type 1 motif 18; minus strand), LOC126862407 (CDK7 strongly-dependent group 2 enhancer GRCh37_chr16:77322970-77324169; plus strand). Cytogenetic location: 16q23.1.
Variant type: single nucleotide variant.
Coding change: c.3451G>A on transcript NM_199355.4 (MANE Select); coding-DNA position 3451, G replaced by A.
Protein change: p.Val1151Ile; replaces valine 1151 with isoleucine.
Molecular consequence: missense variant.
Genome position (GRCh38, 1-based): chr16:77,289,363, C>T on the plus strand (G>A on the coding strand, the complement: ADAMTS18 is on the minus strand). VCF-style: chr16-77289363-C-T. GRCh37 (hg19) VCF-style: chr16-77323260-C-T.
Other names: c.2935G>A, p.Val979Ile (NM_001326358.2); short protein forms V1151I, V979I.
Identifiers: ClinVar variation 1935830 (VCV001935830.5), dbSNP rs1037760654, ClinGen allele CA284419645.

ClinVar aggregate classification (germline): Uncertain significance (1 of 4 stars; one submission).

Allele frequency attached by ClinVar (database versions not stated): TOPMed 0.00001.

Submission:

Labcorp Genetics (formerly Invitae), Labcorp
Classification: Uncertain significance. Last evaluated: 2024-02-24. Review status: criteria provided, single submitter. Criteria: Invitae Variant Classification Sherloc (09022015). Collection method: clinical testing. Allele origin: germline.
Comment: This sequence change replaces valine, which is neutral and non-polar, with isoleucine, which is neutral and non-polar, at codon 1151 of the ADAMTS18 protein (p.Val1151Ile). This variant is not present in population databases (gnomAD no frequency). This variant has not been reported in the literature in individuals affected with ADAMTS18-related conditions. ClinVar contains an entry for this variant (Variation ID: 1935830). An algorithm developed to predict the effect of missense changes on protein structure and function (PolyPhen-2) suggests that this variant is likely to be tolerated. In summary, the available evidence is currently insufficient to determine the role of this variant in disease. Therefore, it has been classified as a Variant of Uncertain Significance.